The following is an entry in ClinVar:

ClinVar aggregate classification (germline): Conflicting classifications of pathogenicity. Review status: criteria provided, conflicting classifications (1 of 4 stars). 7 submissions from 7 submitters: Uncertain significance (4); Likely benign (1). 2 of the submissions do not count toward it. Last evaluated 2025-12-22.

Conditions:
ATM-related disorder. Also called: ATM-related disorders; ATM-related condition.
Hereditary cancer-predisposing syndrome. Also called: Hereditary Cancer Syndrome; Tumor predisposition; Neoplastic Syndromes, Hereditary; Hereditary neoplastic syndrome. Identifiers: Orphanet 140162, MedGen C0027672, MeSH D009386, MONDO:0015356.
Ataxia-telangiectasia syndrome (AT). Also called: ATAXIA-TELANGIECTASIA, COMPLEMENTATION GROUP A; ATAXIA-TELANGIECTASIA, FRESNO VARIANT; Ataxia-telangiectasia; Ataxia-telangiectasia, complementation group E; Cerebello-oculocutaneous telangiectasia; Immunodeficiency with ataxia telangiectasia. Identifiers: Orphanet 100, MedGen C0004135, MONDO:0008840, OMIM 208900.

Allele frequency attached by ClinVar (database versions not stated): ExAC 0.00002; gnomAD exomes 0.00001 and below 0.00001.

Submissions (7):

Labcorp Genetics (formerly Invitae), Labcorp
Classification: Uncertain significance for Ataxia-telangiectasia syndrome. Last evaluated: 2025-12-22. Review status: criteria provided, single submitter. Criteria: Invitae Variant Classification Sherloc (09022015). Collection method: clinical testing. Allele origin: germline.
Comment: This sequence change replaces valine, which is neutral and non-polar, with isoleucine, which is neutral and non-polar, at codon 2873 of the ATM protein (p.Val2873Ile). This variant is present in population databases (rs730881327, gnomAD 0.002%). This missense change has been observed in individual(s) with melanoma (PMID: 34262154). ClinVar contains an entry for this variant (Variation ID: 181900). Invitae Evidence Modeling of protein sequence and biophysical properties (such as structural, functional, and spatial information, amino acid conservation, physicochemical variation, residue mobility, and thermodynamic stability) indicates that this missense variant is not expected to disrupt ATM protein function with a negative predictive value of 95%. In summary, the available evidence is currently insufficient to determine the role of this variant in disease. Therefore, it has been classified as a Variant of Uncertain Significance.

Ambry Genetics
Classification: Likely benign for Hereditary cancer-predisposing syndrome. Last evaluated: 2025-03-26. Review status: criteria provided, single submitter. Criteria: Ambry Variant Classification Scheme 2023. Collection method: clinical testing. Allele origin: germline.

Color Diagnostics, LLC DBA Color Health
Classification: Uncertain significance for Hereditary cancer-predisposing syndrome. Last evaluated: 2022-11-07. Review status: criteria provided, single submitter. Criteria: ACMG Guidelines, 2015. Collection method: clinical testing. Allele origin: germline.
Comment: This missense variant replaces valine with isoleucine at codon 2873 of the ATM protein. Computational prediction suggests that this variant may not impact protein structure and function (internally defined REVEL score threshold <= 0.5, PMID: 27666373). To our knowledge, functional studies have not been reported for this variant. This variant has not been reported in individuals affected with hereditary cancer in the literature. This variant has been identified in 2/250348 chromosomes in the general population by the Genome Aggregation Database (gnomAD). The available evidence is insufficient to determine the role of this variant in disease conclusively. Therefore, this variant is classified as a Variant of Uncertain Significance.

Athena Diagnostics
Classification: Uncertain significance. Last evaluated: 2019-01-18. Review status: criteria provided, single submitter. Criteria: Athena Diagnostics Criteria. Collection method: clinical testing. Allele origin: germline.

GeneDx
Classification: Uncertain significance. Last evaluated: 2018-10-05. Review status: criteria provided, single submitter. Criteria: GeneDx Variant Classification (06012015). Collection method: clinical testing. Allele origin: germline. Affected: yes.
Comment: This variant is denoted ATM c.8617G>A at the cDNA level, p.Val2873Ile (V2873I) at the protein level, and results in the change of a Valine to an Isoleucine (GTA>ATA). This variant has been observed in at least one individual with a personal and/or family history suggestive of a hereditary cancer syndrome undergoing genetic testing via a multi-gene panel and in an individual with melanoma (Mu 2016, Yehia 2018). ATM Val2873Ile was not observed at a significant allele frequency in large population cohorts (Lek 2016). This variant is located in the catalytic region of the Kinase domain (Lavin 2004, Stracker 2013). In silico analysis, which includes protein predictors and evolutionary conservation, supports that this variant does not alter protein structure/function. Based on currently available evidence, it is unclear whether ATM Val2873Ile is a pathogenic or benign variant. We consider it to be a variant of uncertain significance.

PreventionGenetics, part of Exact Sciences
Classification: Uncertain significance for ATM-related condition. Last evaluated: 2024-06-30. Review status: no assertion criteria provided. Collection method: clinical testing. Allele origin: germline. Not counted in ClinVar's aggregate classification.
Comment: The ATM c.8617G>A variant is predicted to result in the amino acid substitution p.Val2873Ile. This variant was reported in an individual with melanoma (Table S2, Dalmasso et al 2021. PubMed ID: 34262154). This variant is reported in 0.0018% of alleles in individuals of European (Non-Finnish) descent in gnomAD. At this time, the clinical significance of this variant is uncertain due to the absence of conclusive functional and genetic evidence.

Natera, Inc.
Classification: Uncertain significance for Ataxia-telangiectasia. Last evaluated: 2020-09-16. Review status: no assertion criteria provided. Collection method: clinical testing. Allele origin: germline. Not counted in ClinVar's aggregate classification.

Literature cited by the submitters: PubMed 34262154 (cited by Labcorp Genetics (formerly Invitae), Labcorp).

NM_000051.4(ATM):c.8617G>A (p.Val2873Ile)

Genes: C11orf65 (chromosome 11 open reading frame 65; minus strand), ATM (ATM serine/threonine kinase; plus strand). Cytogenetic location: 11q22.3.
Variant type: single nucleotide variant.
Coding change: c.8617G>A on transcript NM_000051.4 (MANE Select); coding-DNA position 8617, G replaced by A.
Protein change: p.Val2873Ile; replaces valine 2873 with isoleucine.
Molecular consequence: missense variant. On other transcripts: intron variant (2).
Genome position (GRCh38, 1-based): chr11:108,347,311, G>A. VCF-style: chr11-108347311-G-A. GRCh37 (hg19) VCF-style: chr11-108218038-G-A.
Other names: p.V2873I:GTA>ATA; c.8617G>A, p.Val2873Ile (NM_001351834.2); c.641-38240C>T (NM_001330368.2); c.695-12019C>T (NM_001351110.2); short protein forms V2873I.
Identifiers: ClinVar variation 181900 (VCV000181900.26), dbSNP rs730881327, ClinGen allele CA298084.